The following is an entry in ClinVar:

ClinVar aggregate classification (germline): Pathogenic (1 of 4 stars; one submission).

Conditions:
Hyperinsulinemic hypoglycemia, familial, 1 (HHF1). Also called: HYPERINSULINISM, FAMILIAL, WITH PANCREATIC NESIDIOBLASTOSIS; HYPOGLYCEMIA, HYPERINSULINEMIC, OF INFANCY; NESIDIOBLASTOSIS OF PANCREAS; Persistent Hyperinsulinemia Hypoglycemia of Infancy; Persistent hyperinsulinemic hypoglycemia of infancy. Identifiers: Orphanet 276575, Orphanet 276598, MedGen C2931832, MONDO:0009734, OMIM 256450.

Submission:

Myriad Genetics, Inc.
Classification: Pathogenic for Hyperinsulinemic hypoglycemia, familial, 1. Last evaluated: 2026-06-11. Review status: criteria provided, single submitter. Criteria: Myriad Autosomal Dominant, Autosomal Recessive and X-Linked Classification Criteria (2023). Collection method: clinical testing. Allele origin: unknown.
Comment: NM_000352.3(ABCC8):c.3638delT(I1213Tfs*52) is expected to be pathogenic in the context of familial hyperinsulinism, ABCC8-related. This variant is predicted to lead to an abnormal or absent protein product due to the creation of a premature termination codon in ABCC8, a gene where loss-of-function variants are known to be pathogenic. Please note: this variant was assessed in the context of healthy population screening.

NM_000352.6(ABCC8):c.3638del (p.Ile1213fs)

Gene: ABCC8 (ATP binding cassette subfamily C member 8; minus strand). Cytogenetic location: 11p15.1.
Variant type: Deletion.
Coding change: c.3638del on transcript NM_000352.6 (MANE Select); coding-DNA position 3638, one base deleted (T; older notation c.3638delT).
Protein change: p.Ile1213fs; shifts the reading frame from isoleucine 1213.
Molecular consequence: frameshift variant. On other transcripts: non-coding transcript variant (1).
Genome position (GRCh38, 1-based): chr11:17,402,673, A deleted on the plus strand (T on the coding strand, the reverse complement: ABCC8 is on the minus strand). VCF-style (leftmost placement, unchanged base first): chr11-17402672-GA-G. GRCh37 (hg19) VCF-style: chr11-17424219-GA-G.
Other names: c.3641del, p.Ile1214fs (NM_001287174.3); c.3704del, p.Ile1235fs (NM_001351295.2); c.3638del, p.Ile1213fs (NM_001351296.2); c.3635del, p.Ile1212fs (NM_001351297.2); short protein forms I1212fs, I1213fs, I1214fs, I1235fs.
Identifiers: ClinVar variation 5016027 (VCV005016027.1).